The following is an entry in ClinVar:

NM_001211.6(BUB1B):c.765C>G (p.Asn255Lys)

Gene: BUB1B (BUB1 mitotic checkpoint serine/threonine kinase B; plus strand). Cytogenetic location: 15q15.1.
Variant type: single nucleotide variant.
Coding change: c.765C>G on transcript NM_001211.6 (MANE Select); coding-DNA position 765, C replaced by G.
Protein change: p.Asn255Lys; replaces asparagine 255 with lysine.
Molecular consequence: missense variant.
Genome position (GRCh38, 1-based): chr15:40,185,178, C>G. VCF-style: chr15-40185178-C-G. GRCh37 (hg19) VCF-style: chr15-40477379-C-G.
Other names: short protein forms N255K.
Identifiers: ClinVar variation 3221444 (VCV003221444.1), dbSNP rs2037343755, ClinGen allele CA391683816.

ClinVar aggregate classification (germline): Uncertain significance (1 of 4 stars; one submission).

Conditions:
Inborn genetic diseases. Identifiers: MedGen C0950123, MeSH D030342.

Submission:

Ambry Genetics
Classification: Uncertain significance for Inborn genetic diseases. Last evaluated: 2023-10-25. Review status: criteria provided, single submitter. Criteria: Ambry Variant Classification Scheme 2023. Collection method: clinical testing. Allele origin: germline.
Comment: The p.N255K variant (also known as c.765C>G), located in coding exon 7 of the BUB1B gene, results from a C to G substitution at nucleotide position 765. The asparagine at codon 255 is replaced by lysine, an amino acid with similar properties. This amino acid position is conserved. In addition, this alteration is predicted to be tolerated by in silico analysis. Since supporting evidence is limited at this time, the clinical significance of this alteration remains unclear.